The following is an entry in ClinVar:

NM_001042492.3(NF1):c.4819del (p.Tyr1607fs)

Gene: NF1 (neurofibromin 1; plus strand). Cytogenetic location: 17q11.2.
Variant type: Deletion.
Coding change: c.4819del on transcript NM_001042492.3 (MANE Select); coding-DNA position 4819, one base deleted (T; older notation c.4819delT).
Protein change: p.Tyr1607fs; shifts the reading frame from tyrosine 1607.
Molecular consequence: frameshift variant.
Genome position (GRCh38, 1-based): chr17:31,265,323, T deleted; the last of 6 consecutive T bases (chr17:31,265,318-31,265,323); deleting any one gives the same sequence. VCF-style (leftmost placement, unchanged base first): chr17-31265317-AT-A. GRCh37 (hg19) VCF-style: chr17-29592335-AT-A.
Other names: c.4756delT, p.Tyr1586Ilefs (NM_000267.4); c.4819delT, p.Tyr1607Ilefs (NM_001042492.2); short protein forms Y1607fs, Y1586fs.
Identifiers: ClinVar variation 431648 (VCV000431648.9), dbSNP rs876658492, ClinGen allele CA499234194.

ClinVar aggregate classification (germline): Pathogenic. Review status: criteria provided, multiple submitters, no conflicts (2 of 4 stars). 4 submissions from 4 submitters: Pathogenic (3). 1 of the submissions does not count toward it. Last evaluated 2024-06-06.

Conditions:
Neurofibromatosis, type 1 (NF1). Also called: Peripheral type neurofibromatosis; VON RECKLINGHAUSEN DISEASE; NEUROFIBROMATOSIS, TYPE I, SOMATIC; Neurofibromatosis, type I. Identifiers: Orphanet 636, MedGen C0027831, MONDO:0018975, OMIM 162200. Disease mechanism: loss of function.

Submissions (4):

Division of Genetic & Genomic Pathology, Hong Kong Children's Hospital
Classification: Pathogenic for Neurofibromatosis, type 1. Last evaluated: 2024-06-06. Review status: criteria provided, single submitter. Criteria: ACMG Guidelines, 2015. Collection method: clinical testing. Allele origin: germline. Affected: yes.
Comment: NF1 c.4756del is a 1-bp frameshift deletion located in exon 35 out of 57 exons. It is predicted to result in protein truncation or nonsense-mediated mRNA decay. It is not present in population databases (gnomAD v2.1.1 and gnomAD v4.1.0). This variant has been reported in an individual with neurofibromatosis type I (PMID: 26056819) and is classified as pathogenic in ClinVar with multiple submissions (VCV000431648.6). For these reasons, this variant is classified as pathogenic.

Labcorp Genetics (formerly Invitae), Labcorp
Classification: Pathogenic for Neurofibromatosis, type 1. Last evaluated: 2024-06-02. Review status: criteria provided, single submitter. Criteria: Invitae Variant Classification Sherloc (09022015). Collection method: clinical testing. Allele origin: germline.
Comment: This sequence change creates a premature translational stop signal (p.Tyr1586Ilefs*17) in the NF1 gene. It is expected to result in an absent or disrupted protein product. Loss-of-function variants in NF1 are known to be pathogenic (PMID: 10712197, 23913538). This variant is not present in population databases (gnomAD no frequency). This premature translational stop signal has been observed in individual(s) with neurofibromatosis type-1 (PMID: 26056819; Invitae). This variant is also known as c.4751delT, p.Tyr1586fs. ClinVar contains an entry for this variant (Variation ID: 431648). For these reasons, this variant has been classified as Pathogenic.

GeneDx
Classification: Pathogenic. Last evaluated: 2022-11-09. Review status: criteria provided, single submitter. Criteria: GeneDx Variant Classification Process June 2021. Collection method: clinical testing. Allele origin: germline. Affected: yes.
Comment: Frameshift variant predicted to result in protein truncation or nonsense mediated decay in a gene for which loss of function is a known mechanism of disease; Not observed at significant frequency in large population cohorts (gnomAD); This variant is associated with the following publications: (PMID: 35260566, 23913538, 10712197, 26056819)

Medical Genetics, University of Parma
Classification: Pathogenic for Neurofibromatosis type 1. Last evaluated: 2017-02-02. Review status: no assertion criteria provided. Collection method: clinical testing. Allele origin: germline. Affected: yes. Not counted in ClinVar's aggregate classification.

Literature cited by the submitters: PubMed 26056819 (cited by Division of Genetic & Genomic Pathology, Hong Kong Children's Hospital and Labcorp Genetics (formerly Invitae), Labcorp); PubMed 10712197 (cited by Labcorp Genetics (formerly Invitae), Labcorp); PubMed 23913538 (cited by Labcorp Genetics (formerly Invitae), Labcorp).